The following is an entry in ClinVar:

NM_000384.3(APOB):c.5608A>G (p.Thr1870Ala)

Gene: APOB (apolipoprotein B; minus strand). Cytogenetic location: 2p24.1.
Variant type: single nucleotide variant.
Coding change: c.5608A>G on transcript NM_000384.3 (MANE Select); coding-DNA position 5608, A replaced by G.
Protein change: p.Thr1870Ala; replaces threonine 1870 with alanine.
Molecular consequence: missense variant.
Genome position (GRCh38, 1-based): chr2:21,011,260, T>C on the plus strand (A>G on the coding strand, the complement: APOB is on the minus strand). VCF-style: chr2-21011260-T-C. GRCh37 (hg19) VCF-style: chr2-21234132-T-C.
Other names: short protein forms T1870A.
Identifiers: ClinVar variation 657034 (VCV000657034.15), dbSNP rs375985550, ClinGen allele CA062266.

ClinVar aggregate classification (germline): Conflicting classifications of pathogenicity. Review status: criteria provided, conflicting classifications (1 of 4 stars). 2 submissions from 2 submitters: Uncertain significance (1); Benign (1). Last evaluated 2025-11-22.

Conditions:
Cardiovascular phenotype. Identifiers: MedGen CN230736.
Familial hypobetalipoproteinemia 1. Also called: Hypobetalipoproteinemia, normotriglyceridemic; Acanthocytosis with hypobetalipoproteinemia; APOB-Related Familial Hypobetalipoproteinemia. Identifiers: MedGen C4551990, MONDO:0014252, OMIM 615558.
Hypercholesterolemia, autosomal dominant, type B (FHCL2). Also called: Familial Hypercholesterolemia Type B; APOLIPOPROTEIN B-100, FAMILIAL DEFECTIVE; APOLIPOPROTEIN B-100, FAMILIAL LIGAND-DEFECTIVE; HYPERCHOLESTEROLEMIA, FAMILIAL, DUE TO LIGAND-DEFECTIVE APOLIPOPROTEIN B; Familial hypercholesterolemia 2; APOB-Related Familial Hypercholesterolemia, Autosomal Dominant. Identifiers: MedGen C1704417, MONDO:0007751, OMIM 144010.

Allele frequency attached by ClinVar (database versions not stated): gnomAD exomes 0.00001 and 0.00002; ExAC 0.00002; gnomAD 0.00005 and 0.00006; TOPMed 0.00007; ESP Exome Variant Server 0.00008.

Submissions (2):

Labcorp Genetics (formerly Invitae), Labcorp
Classification: Benign for Familial hypobetalipoproteinemia 1; Hypercholesterolemia, autosomal dominant, type B. Last evaluated: 2025-11-22. Review status: criteria provided, single submitter. Criteria: Invitae Variant Classification Sherloc (09022015). Collection method: clinical testing. Allele origin: germline.

Ambry Genetics
Classification: Uncertain significance for Cardiovascular phenotype. Last evaluated: 2025-07-06. Review status: criteria provided, single submitter. Criteria: Ambry Variant Classification Scheme 2023. Collection method: clinical testing. Allele origin: germline.
Comment: The p.T1870A variant (also known as c.5608A>G), located in coding exon 26 of the APOB gene, results from an A to G substitution at nucleotide position 5608. The threonine at codon 1870 is replaced by alanine, an amino acid with similar properties. This amino acid position is conserved. In addition, this alteration is predicted to be tolerated by in silico analysis. Since supporting evidence is limited at this time, the clinical significance of this alteration remains unclear.